The following is an entry in ClinVar:

NM_000368.5(TSC1):c.2935GAA[1] (p.Glu980_Glu981del)

Gene: TSC1 (TSC complex subunit 1; minus strand). Cytogenetic location: 9q34.13.
Variant type: Microsatellite.
Coding change: c.2935GAA[1] on transcript NM_000368.5 (MANE Select); one copy of the 3-base unit GAA starting at c.2935; the reference has three copies in a row; two copies, 6 bases deleted.
Protein change: p.Glu980_Glu981del.
Molecular consequence: inframe deletion.
Genome position (GRCh38, 1-based): chr9:132,897,216-132,897,221, TTCTTC deleted on the plus strand (GAAGAA on the coding strand, the reverse complement: TSC1 is on the minus strand); deleting any 6 consecutive bases within chr9:132,897,216-132,897,224 gives the same sequence; the position shown is the placement nearest the transcript's 3' end. VCF-style (leftmost placement, unchanged base first): chr9-132897215-TTTCTTC-T. GRCh37 (hg19) VCF-style: chr9-135772602-TTTCTTC-T.
Other names: c.2932GAA[1], p.Glu979_Glu980del (NM_001162426.2); c.2782GAA[1], p.Glu929_Glu930del (NM_001162427.2); c.2572GAA[1], p.Glu859_Glu860del (NM_001362177.2).
Identifiers: ClinVar variation 1692405 (VCV001692405.1), dbSNP rs1233796412, ClinGen allele CA2580617120.

ClinVar aggregate classification (germline): Uncertain significance (1 of 4 stars; one submission).

Conditions:
Hereditary cancer-predisposing syndrome. Also called: Hereditary Cancer Syndrome; Hereditary neoplastic syndrome; Neoplastic Syndromes, Hereditary; Tumor predisposition. Identifiers: Orphanet 140162, MedGen C0027672, MeSH D009386, MONDO:0015356.

Submission:

Sema4
Classification: Uncertain significance for Hereditary cancer-predisposing syndrome. Last evaluated: 2021-09-20. Review status: criteria provided, single submitter. Criteria: Sema4 Curation Guidelines. Collection method: curation. Allele origin: germline.
Comment: The TSC1 c.2938_2943delGAAGAA (p.E980_E981del) variant has not been reported in the literature to our knowledge. It was not observed in the large and broad cohorts of the Genome Aggregation Database, nor has it been reported in ClinVar. The evidence is insufficient to meet ACMG/AMP criteria for classifying the variant as benign or pathogenic. Thus, the clinical significance of this variant is currently uncertain.